The following is an entry in ClinVar:

NM_004304.5(ALK):c.4716C>G (p.Phe1572Leu)

Gene: ALK (ALK receptor tyrosine kinase; minus strand). Cytogenetic location: 2p23.2.
Variant type: single nucleotide variant.
Coding change: c.4716C>G on transcript NM_004304.5 (MANE Select); coding-DNA position 4716, C replaced by G.
Protein change: p.Phe1572Leu; replaces phenylalanine 1572 with leucine.
Molecular consequence: missense variant.
Genome position (GRCh38, 1-based): chr2:29,193,371, G>C on the plus strand (C>G on the coding strand, the complement: ALK is on the minus strand). VCF-style: chr2-29193371-G-C. GRCh37 (hg19) VCF-style: chr2-29416237-G-C.
Other names: c.1512C>G, p.Phe504Leu (NM_001353765.2); short protein forms F1572L, F504L.
Identifiers: ClinVar variation 2447099 (VCV002447099.2), dbSNP rs2148137386, ClinGen allele CA346460394.

ClinVar aggregate classification (germline): Uncertain significance (1 of 4 stars; one submission).

Conditions:
Hereditary cancer-predisposing syndrome. Also called: Neoplastic Syndromes, Hereditary; Hereditary Cancer Syndrome; Tumor predisposition; Hereditary neoplastic syndrome. Identifiers: Orphanet 140162, MedGen C0027672, MeSH D009386, MONDO:0015356.

Submission:

Ambry Genetics
Classification: Uncertain significance for Hereditary cancer-predisposing syndrome. Last evaluated: 2022-11-05. Review status: criteria provided, single submitter. Criteria: Ambry Variant Classification Scheme 2023. Collection method: clinical testing. Allele origin: germline.
Comment: The p.F1572L variant (also known as c.4716C>G), located in coding exon 29 of the ALK gene, results from a C to G substitution at nucleotide position 4716. The phenylalanine at codon 1572 is replaced by leucine, an amino acid with highly similar properties. This amino acid position is conserved. In addition, this alteration is predicted to be tolerated by in silico analysis. Since supporting evidence is limited at this time, the clinical significance of this alteration remains unclear.